The following is an entry in ClinVar:

ClinVar aggregate classification (germline): Uncertain significance (1 of 4 stars; one submission).

Allele frequency attached by ClinVar (database versions not stated): TOPMed below 0.00001; gnomAD 0.00001.
gnomAD v4.1: 3 of 1,612,642 alleles (0.00019%); highest among the groups gnomAD compares: African/African-American, 0.0013%; no homozygotes.

Submission:

Institute for Clinical Genetics, University Hospital TU Dresden, University Hospital TU Dresden
Classification: Uncertain significance. Last evaluated: 2022-08-26. Review status: criteria provided, single submitter. Criteria: ACMG Guidelines, 2015. Collection method: clinical testing. Allele origin: paternal.
Comment: PM2_SUP

NM_015570.4(AUTS2):c.1924A>G (p.Met642Val)

Gene: AUTS2 (activator of transcription and developmental regulator AUTS2; plus strand). Cytogenetic location: 7q11.22.
Variant type: single nucleotide variant.
Coding change: c.1924A>G on transcript NM_015570.4 (MANE Select); coding-DNA position 1924, A replaced by G.
Protein change: p.Met642Val; replaces methionine 642 with valine.
Molecular consequence: missense variant.
Genome position (GRCh38, 1-based): chr7:70,775,378, A>G. VCF-style: chr7-70775378-A-G. GRCh37 (hg19) VCF-style: chr7-70240364-A-G.
Other names: c.1852A>G, p.Met618Val (NM_001127231.3); short protein forms M618V, M642V.
Identifiers: ClinVar variation 2576040 (VCV002576040.1), dbSNP rs1287819222, ClinGen allele CA367669673.